The following is an entry in ClinVar:

ClinVar aggregate classification (germline): Uncertain significance (1 of 4 stars; one submission).

Conditions:
Meckel-Gruber syndrome. Also called: DYSENCEPHALIA SPLANCHNOCYSTICA; GRUBER SYNDROME; Dysencephalia splachnocystica. Identifiers: Orphanet 564, MedGen C0265215, MONDO:0018921.
Joubert syndrome. Also called: CEREBELLOPARENCHYMAL DISORDER IV; JOUBERT-BOLTSHAUSER SYNDROME; Familial aplasia of the vermis. Identifiers: Orphanet 475, MedGen C5979921, MONDO:0018772.

Allele frequency attached by ClinVar (database versions not stated): gnomAD 0.00001; TOPMed 0.00002.
gnomAD v4.1: 2 of 1,614,086 alleles (0.00012%); highest among the groups gnomAD compares: African/African-American, 0.0027%; no homozygotes.

Submission:

Labcorp Genetics (formerly Invitae), Labcorp
Classification: Uncertain significance for Joubert syndrome; Meckel-Gruber syndrome. Last evaluated: 2021-05-20. Review status: criteria provided, single submitter. Criteria: Invitae Variant Classification Sherloc (09022015). Collection method: clinical testing. Allele origin: germline.
Comment: Algorithms developed to predict the effect of missense changes on protein structure and function output the following: SIFT: "Deleterious"; PolyPhen-2: "Benign"; Align-GVGD: "Class C15". The phenylalanine amino acid residue is found in multiple mammalian species, suggesting that this missense change does not adversely affect protein function. These predictions have not been confirmed by published functional studies and their clinical significance is uncertain. In summary, the available evidence is currently insufficient to determine the role of this variant in disease. Therefore, it has been classified as a Variant of Uncertain Significance. This variant has not been reported in the literature in individuals with TCTN1-related conditions. This variant is not present in population databases (ExAC no frequency). This sequence change replaces tyrosine with phenylalanine at codon 521 of the TCTN1 protein (p.Tyr521Phe). The tyrosine residue is highly conserved and there is a small physicochemical difference between tyrosine and phenylalanine.

NM_001082538.3(TCTN1):c.1562A>T (p.Tyr521Phe)

Gene: TCTN1 (tectonic family member 1; plus strand). Cytogenetic location: 12q24.11.
Variant type: single nucleotide variant.
Coding change: c.1562A>T on transcript NM_001082538.3 (MANE Select); coding-DNA position 1562, A replaced by T.
Protein change: p.Tyr521Phe; replaces tyrosine 521 with phenylalanine.
Molecular consequence: missense variant. On other transcripts: non-coding transcript variant (1).
Genome position (GRCh38, 1-based): chr12:110,647,263, A>T. VCF-style: chr12-110647263-A-T. GRCh37 (hg19) VCF-style: chr12-111085068-A-T.
Other names: c.1547A>T, p.Tyr516Phe (NM_001082537.3); c.1379A>T, p.Tyr460Phe (NM_001173975.3); c.1235A>T, p.Tyr412Phe (NM_001173976.2); c.1400A>T, p.Tyr467Phe (NM_001319680.2); c.1013A>T, p.Tyr338Phe (NM_001319681.2); c.1505A>T, p.Tyr502Phe (NM_024549.6); short protein forms Y460F, Y521F, Y502F, Y516F, Y338F, Y467F, Y412F.
Identifiers: ClinVar variation 1464155 (VCV001464155.8), dbSNP rs978264567, ClinGen allele CA243537700.